The following is an entry in ClinVar:

ClinVar aggregate classification (germline): Pathogenic (1 of 4 stars; one submission).

Conditions:
Hereditary factor XI deficiency disease. Also called: PLASMA THROMBOPLASTIN ANTECEDENT DEFICIENCY; PTA DEFICIENCY; ROSENTHAL SYNDROME; Congenital factor XI deficiency. Identifiers: Orphanet 329, MedGen C0015523, MeSH D005173, MONDO:0012897, OMIM 612416.

Submission:

Myriad Genetics, Inc.
Classification: Pathogenic for Hereditary factor XI deficiency disease. Last evaluated: 2024-05-14. Review status: criteria provided, single submitter. Criteria: Myriad Autosomal Dominant, Autosomal Recessive and X-Linked Classification Criteria (2023). Collection method: clinical testing. Allele origin: unknown.
Comment: NM_000128.3(F11):c.1120dupT(C374Lfs*2) is expected to be pathogenic in the context of factor XI deficiency. This variant is predicted to lead to an abnormal or absent protein product due to the creation of a premature termination codon in F11, a gene where loss-of-function variants are known to be pathogenic. Please note: this variant was assessed in the context of healthy population screening.

NM_000128.4(F11):c.1120dup (p.Cys374fs)

Gene: F11 (coagulation factor XI; plus strand). Cytogenetic location: 4q35.2.
Variant type: Duplication.
Coding change: c.1120dup on transcript NM_000128.4 (MANE Select); coding-DNA position 1120, one base duplicated (T; older notation c.1120dupT).
Protein change: p.Cys374fs; shifts the reading frame from cysteine 374.
Molecular consequence: frameshift variant.
Genome position (GRCh38, 1-based): chr4:186,280,565, T duplicated. VCF-style (leftmost placement, unchanged base first): chr4-186280564-G-GT. GRCh37 (hg19) VCF-style: chr4-187201718-G-GT.
Other names: c.1072dup, p.Cys358fs (NM_001440590.1, NM_001440596.1); c.1120dup, p.Cys374fs (NM_001440593.1); c.850dup, p.Cys284fs (NM_001440605.1, NM_001440607.1); c.802dup, p.Cys268fs (NM_001440606.1, NM_001440608.1); short protein forms C268fs, C284fs, C358fs, C374fs.
Identifiers: ClinVar variation 5010457 (VCV005010457.1).